The following is an entry in ClinVar:

ClinVar aggregate classification (germline): Pathogenic. Review status: criteria provided, multiple submitters, no conflicts (2 of 4 stars). 2 submissions from 2 submitters: Pathogenic (2). Last evaluated 2025-08-06.

Conditions:
Pontocerebellar hypoplasia type 1A (PCH1A). Also called: PONTOCEREBELLAR HYPOPLASIA WITH ANTERIOR HORN CELL DISEASE; PONTOCEREBELLAR HYPOPLASIA WITH INFANTILE SPINAL MUSCULAR ATROPHY. Identifiers: Orphanet 2254, Orphanet 88616, MedGen C1843504, MONDO:0011866, OMIM 607596.

Submissions (2):

Myriad Genetics, Inc.
Classification: Pathogenic for Pontocerebellar hypoplasia type 1A. Last evaluated: 2025-08-06. Review status: criteria provided, single submitter. Criteria: Myriad Autosomal Dominant, Autosomal Recessive and X-Linked Classification Criteria (2023). Collection method: clinical testing. Allele origin: unknown.
Comment: NM_003384.2(VRK1):c.733G>T(E245*) is expected to be pathogenic in the context of pontocerebellar hypoplasia, VRK1-related. This variant is predicted to lead to an abnormal or absent protein product due to the creation of a premature termination codon in VRK1, a gene where loss-of-function variants are known to be pathogenic. Please note: this variant was assessed in the context of healthy population screening.

Labcorp Genetics (formerly Invitae), Labcorp
Classification: Pathogenic for Pontocerebellar hypoplasia type 1A. Last evaluated: 2021-10-31. Review status: criteria provided, single submitter. Criteria: Invitae Variant Classification Sherloc (09022015). Collection method: clinical testing. Allele origin: germline.
Comment: For these reasons, this variant has been classified as Pathogenic. This variant has not been reported in the literature in individuals affected with VRK1-related conditions. This variant is not present in population databases (gnomAD no frequency). This sequence change creates a premature translational stop signal (p.Glu245*) in the VRK1 gene. It is expected to result in an absent or disrupted protein product. Loss-of-function variants in VRK1 are known to be pathogenic (PMID: 19646678, 24126608, 27281532).

Literature cited by the submitters: PubMed 19646678 (cited by Labcorp Genetics (formerly Invitae), Labcorp); PubMed 24126608 (cited by Labcorp Genetics (formerly Invitae), Labcorp); PubMed 27281532 (cited by Labcorp Genetics (formerly Invitae), Labcorp).

NM_003384.3(VRK1):c.733G>T (p.Glu245Ter)

Gene: VRK1 (VRK serine/threonine kinase 1; plus strand). Cytogenetic location: 14q32.2.
Variant type: single nucleotide variant.
Coding change: c.733G>T on transcript NM_003384.3 (MANE Select); coding-DNA position 733, G replaced by T.
Protein change: p.Glu245Ter; replaces glutamic acid 245 with a stop codon.
Molecular consequence: nonsense.
Genome position (GRCh38, 1-based): chr14:96,856,153, G>T. VCF-style: chr14-96856153-G-T. GRCh37 (hg19) VCF-style: chr14-97322490-G-T.
Other names: short protein forms E245*.
Identifiers: ClinVar variation 1431709 (VCV001431709.8), dbSNP rs1200170208, ClinGen allele CA390931404.